The following is an entry in ClinVar:

ClinVar aggregate classification (germline): Likely pathogenic (0 of 4 stars; one submission).

Conditions:
ZEB2-related disorder. Also called: ZEB2-related condition.

Submission:

PreventionGenetics, part of Exact Sciences
Classification: Likely pathogenic for ZEB2-related condition. Last evaluated: 2023-10-26. Review status: no assertion criteria provided. Collection method: clinical testing. Allele origin: germline.
Comment: The ZEB2 c.1557delT variant is predicted to result in a frameshift and premature protein termination (p.Asn519Lysfs*25). To our knowledge, this variant has not been reported in the literature or in a large population database, indicating this variant is rare. Frameshift variants in ZEB2 are expected to be pathogenic. This variant is interpreted as likely pathogenic.

NM_014795.4(ZEB2):c.1557del (p.Asn519fs)

Gene: ZEB2 (zinc finger E-box binding homeobox 2; minus strand). Cytogenetic location: 2q22.3.
Variant type: Deletion.
Coding change: c.1557del on transcript NM_014795.4 (MANE Select); coding-DNA position 1557, one base deleted (T; older notation c.1557delT).
Protein change: p.Asn519fs; shifts the reading frame from asparagine 519.
Molecular consequence: frameshift variant.
Genome position (GRCh38, 1-based): chr2:144,399,630, A deleted on the plus strand (T on the coding strand, the reverse complement: ZEB2 is on the minus strand). VCF-style (leftmost placement, unchanged base first): chr2-144399629-CA-C. GRCh37 (hg19) VCF-style: chr2-145157196-CA-C.
Other names: c.1485del, p.Asn495fs (NM_001171653.2); short protein forms N495fs, N519fs.
Identifiers: ClinVar variation 3050234 (VCV003050234.2), dbSNP rs2549106667, ClinGen allele CA2740095696.
Genomic context (GRCh38, chr2:144,399,629, plus strand): 5'-GGCAAGCTTTGGCTTCATTGACTTTTTCCAACGTATAGTCAATAATACTTTTAGTGGCAC[CA>C]TTATGACTCACTACCGGAAGACCGACAGGCGGAATATTAGGAGAAGTAACTCCTTGTTCC-3'